The following is an entry in ClinVar:

NM_000540.3(RYR1):c.6374A>G (p.His2125Arg)

Gene: RYR1 (ryanodine receptor 1; plus strand). Cytogenetic location: 19q13.2.
Variant type: single nucleotide variant.
Coding change: c.6374A>G on transcript NM_000540.3 (MANE Select); coding-DNA position 6374, A replaced by G.
Protein change: p.His2125Arg; replaces histidine 2125 with arginine.
Molecular consequence: missense variant.
Genome position (GRCh38, 1-based): chr19:38,494,451, A>G. VCF-style: chr19-38494451-A-G. GRCh37 (hg19) VCF-style: chr19-38985091-A-G.
Other names: c.6374A>G, p.His2125Arg (NM_001042723.2); short protein forms H2125R.
Identifiers: ClinVar variation 478254 (VCV000478254.13), dbSNP rs775112843, ClinGen allele CA068169.

ClinVar aggregate classification (germline): Uncertain significance. Review status: criteria provided, multiple submitters, no conflicts (2 of 4 stars). 4 submissions from 4 submitters: Uncertain significance (4). Last evaluated 2026-06-24.

Conditions:
Malignant hyperthermia, susceptibility to, 1 (MHS1). Also called: Anesthesia related hyperthermia; Malignant hyperpyrexia; Fulminating hyperpyrexia; Pharmacogenic myopathy; RYR1-Related Malignant Hyperthermia Susceptibility; Malignant hyperthermia suceptibility 1. Identifiers: Orphanet 423, MedGen C2930980, MONDO:0007783, OMIM 145600.
RYR1-related disorder. Also called: RYR1-related condition; RYR1-related disorders. Identifiers: MedGen CN239331.

Allele frequency attached by ClinVar (database versions not stated): TOPMed 0.00002; ExAC 0.00001; gnomAD exomes 0.00003.
gnomAD v4.1: 11 of 1,612,688 alleles (0.00068%); highest among the groups gnomAD compares: Admixed American, 0.018%; no homozygotes.

Submissions (4):

GeneDx
Classification: Uncertain significance. Last evaluated: 2026-06-24. Review status: criteria provided, single submitter. Criteria: GeneDx Variant Classification Process June 2021. Collection method: clinical testing. Allele origin: germline.
Comment: In silico analysis supports that this missense variant has a deleterious effect on protein structure/function; Has not been previously published as pathogenic or benign to our knowledge; This variant is associated with the following publications: (PMID: 12668474, 33767344)

Labcorp Genetics (formerly Invitae), Labcorp
Classification: Uncertain significance for RYR1-related disorder. Last evaluated: 2025-12-09. Review status: criteria provided, single submitter. Criteria: Invitae Variant Classification Sherloc (09022015). Collection method: clinical testing. Allele origin: germline.
Comment: This sequence change replaces histidine, which is basic and polar, with arginine, which is basic and polar, at codon 2125 of the RYR1 protein (p.His2125Arg). This variant is present in population databases (rs775112843, gnomAD 0.02%). This variant has not been reported in the literature in individuals affected with RYR1-related conditions. ClinVar contains an entry for this variant (Variation ID: 478254). Invitae Evidence Modeling of protein sequence and biophysical properties (such as structural, functional, and spatial information, amino acid conservation, physicochemical variation, residue mobility, and thermodynamic stability) indicates that this missense variant is not expected to disrupt RYR1 protein function with a negative predictive value of 80%. In summary, the available evidence is currently insufficient to determine the role of this variant in disease. Therefore, it has been classified as a Variant of Uncertain Significance.

All of Us Research Program, National Institutes of Health
Classification: Uncertain significance for Malignant hyperthermia, susceptibility to, 1. Last evaluated: 2024-07-10. Review status: criteria provided, single submitter. Criteria: ACMG Guidelines, 2015. Collection method: clinical testing. Allele origin: germline. Inheritance: Autosomal dominant inheritance. Observed: 4 variant alleles, 4 heterozygotes.
Comment: This missense variant replaces histidine with arginine at codon 2125 of the RYR1 protein. Computational prediction suggests that this variant may not impact protein structure and function (internally defined REVEL score threshold <= 0.5, PMID: 27666373). To our knowledge, functional studies have not been reported for this variant. This variant has not been reported in individuals affected with RYR1-related disorders in the literature. This variant has been identified in 7/250356 chromosomes in the general population by the Genome Aggregation Database (gnomAD). The available evidence is insufficient to determine the role of this variant in disease conclusively. Therefore, this variant is classified as a Variant of Uncertain Significance.

This study involves interpretation of variants in research participants for the purpose of population health screening. Participant phenotype was not available at the time of variant classification. Additional details can be found in publication PMID: 35346344, PMCID: PMC8962531

Revvity Omics, Revvity
Classification: Uncertain significance. Last evaluated: 2021-08-12. Review status: criteria provided, single submitter. Criteria: ACMG Guidelines, 2015. Collection method: clinical testing. Allele origin: germline.